The following is an entry in ClinVar:

ClinVar aggregate classification (germline): Uncertain significance (1 of 4 stars; one submission).

Conditions:
Hereditary cancer-predisposing syndrome. Also called: Neoplastic Syndromes, Hereditary; Tumor predisposition; Hereditary Cancer Syndrome; Hereditary neoplastic syndrome. Identifiers: Orphanet 140162, MedGen C0027672, MeSH D009386, MONDO:0015356.

Submission:

Ambry Genetics
Classification: Uncertain significance for Hereditary cancer-predisposing syndrome. Last evaluated: 2020-09-23. Review status: criteria provided, single submitter. Criteria: Ambry Variant Classification Scheme 2023. Collection method: clinical testing. Allele origin: germline.
Comment: The p.N356T variant (also known as c.1067A>C), located in coding exon 4 of the BARD1 gene, results from an A to C substitution at nucleotide position 1067. The asparagine at codon 356 is replaced by threonine, an amino acid with similar properties. This amino acid position is not well conserved in available vertebrate species. In addition, this alteration is predicted to be tolerated by in silico analysis. Since supporting evidence is limited at this time, the clinical significance of this alteration remains unclear.

NM_000465.4(BARD1):c.1067A>C (p.Asn356Thr)

Gene: BARD1 (BRCA1 associated RING domain 1; minus strand). Cytogenetic location: 2q35.
Variant type: single nucleotide variant.
Coding change: c.1067A>C on transcript NM_000465.4 (MANE Select); coding-DNA position 1067, A replaced by C.
Protein change: p.Asn356Thr; replaces asparagine 356 with threonine.
Molecular consequence: missense variant. On other transcripts: non-coding transcript variant (2), intron variant (3).
Genome position (GRCh38, 1-based): chr2:214,780,807, T>G on the plus strand (A>C on the coding strand, the complement: BARD1 is on the minus strand). VCF-style: chr2-214780807-T-G. GRCh37 (hg19) VCF-style: chr2-215645531-T-G.
Other names: c.1010A>C, p.Asn337Thr (NM_001282543.2); c.159-28252A>C (NM_001282548.2); c.215+16254A>C (NM_001282545.2); c.364+11490A>C (NM_001282549.2); short protein forms N337T, N356T.
Identifiers: ClinVar variation 1782107 (VCV001782107.2), dbSNP rs577834428, ClinGen allele CA350454122.